The following is an entry in ClinVar:

ClinVar aggregate classification (germline): Uncertain significance. Review status: criteria provided, multiple submitters, no conflicts (2 of 4 stars). 2 submissions from 2 submitters: Uncertain significance (2). Last evaluated 2023-05-24.

Allele frequency attached by ClinVar (database versions not stated): gnomAD exomes below 0.00001; gnomAD 0.00001.

Submissions (2):

Labcorp Genetics (formerly Invitae), Labcorp
Classification: Uncertain significance. Last evaluated: 2023-05-24. Review status: criteria provided, single submitter. Criteria: Invitae Variant Classification Sherloc (09022015). Collection method: clinical testing. Allele origin: germline.
Comment: In summary, the available evidence is currently insufficient to determine the role of this variant in disease. Therefore, it has been classified as a Variant of Uncertain Significance. This variant has not been reported in the literature in individuals affected with KDM1A-related conditions. This variant is not present in population databases (gnomAD no frequency). This sequence change creates a premature translational stop signal (p.Arg202*) in the KDM1A gene. It is expected to result in an absent or disrupted protein product. However, the current clinical and genetic evidence is not sufficient to establish whether loss-of-function variants in KDM1A cause disease.

GeneDx
Classification: Uncertain significance. Last evaluated: 2023-05-01. Review status: criteria provided, single submitter. Criteria: GeneDx Variant Classification Process June 2021. Collection method: clinical testing. Allele origin: germline. Affected: yes.
Comment: Nonsense variant predicted to result in protein truncation or nonsense mediated decay in a gene or region of a gene for which loss of function is not a well-established mechanism of disease; Not observed at significant frequency in large population cohorts (gnomAD); Has not been previously published as pathogenic or benign to our knowledge

NM_001009999.3(KDM1A):c.604C>T (p.Arg202Ter)

Gene: KDM1A (lysine demethylase 1A; plus strand). Cytogenetic location: 1p36.12.
Variant type: single nucleotide variant.
Coding change: c.604C>T on transcript NM_001009999.3 (MANE Select); coding-DNA position 604, C replaced by T.
Protein change: p.Arg202Ter; replaces arginine 202 with a stop codon.
Molecular consequence: nonsense.
Genome position (GRCh38, 1-based): chr1:23,050,413, C>T. VCF-style: chr1-23050413-C-T. GRCh37 (hg19) VCF-style: chr1-23376906-C-T.
Other names: c.544C>T, p.Arg182Ter (NM_001363654.2, NM_001410763.1, NM_015013.4); c.604C>T, p.Arg202Ter (NM_001410762.1); short protein forms R182*, R202*.
Identifiers: ClinVar variation 2663425 (VCV002663425.4), dbSNP rs1341951118, ClinGen allele CA338960923.